The following is an entry in ClinVar:

ClinVar aggregate classification (germline): Uncertain significance (1 of 4 stars; one submission).

Conditions:
Alagille syndrome due to a JAG1 point mutation. Also called: HEPATIC DUCTULAR HYPOPLASIA, SYNDROMATIC; Alagille Syndrome 1; JAG1-Related Alagille Syndrome. Identifiers: Orphanet 261619, Orphanet 52, MedGen C1956125, MONDO:0016862, OMIM 118450.

Allele frequency attached by ClinVar (database versions not stated): TOPMed below 0.00001.

Submission:

Labcorp Genetics (formerly Invitae), Labcorp
Classification: Uncertain significance for Alagille syndrome due to a JAG1 point mutation. Last evaluated: 2021-07-26. Review status: criteria provided, single submitter. Criteria: Invitae Variant Classification Sherloc (09022015). Collection method: clinical testing. Allele origin: germline.
Comment: This sequence change replaces serine with arginine at codon 125 of the JAG1 protein (p.Ser125Arg). The serine residue is highly conserved and there is a moderate physicochemical difference between serine and arginine. In summary, the available evidence is currently insufficient to determine the role of this variant in disease. Therefore, it has been classified as a Variant of Uncertain Significance. Algorithms developed to predict the effect of sequence changes on RNA splicing suggest that this variant may create or strengthen a splice site. Advanced modeling of protein sequence and biophysical properties (such as structural, functional, and spatial information, amino acid conservation, physicochemical variation, residue mobility, and thermodynamic stability) performed at Invitae indicates that this missense variant is not expected to disrupt JAG1 protein function. This variant has not been reported in the literature in individuals affected with JAG1-related conditions. This variant is not present in population databases (ExAC no frequency).

NM_000214.3(JAG1):c.375T>G (p.Ser125Arg)

Gene: JAG1 (jagged canonical Notch ligand 1; minus strand). Cytogenetic location: 20p12.2.
Variant type: single nucleotide variant.
Coding change: c.375T>G on transcript NM_000214.3 (MANE Select); coding-DNA position 375, T replaced by G.
Protein change: p.Ser125Arg; replaces serine 125 with arginine.
Molecular consequence: missense variant.
Genome position (GRCh38, 1-based): chr20:10,672,713, A>C on the plus strand (T>G on the coding strand, the complement: JAG1 is on the minus strand). VCF-style: chr20-10672713-A-C. GRCh37 (hg19) VCF-style: chr20-10653361-A-C.
Other names: short protein forms S125R.
Identifiers: ClinVar variation 1447158 (VCV001447158.8), dbSNP rs2067505361, ClinGen allele CA408242369.